The following is an entry in ClinVar:

ClinVar aggregate classification (germline): Pathogenic. Review status: criteria provided, multiple submitters, no conflicts (2 of 4 stars). 5 submissions from 5 submitters: Pathogenic (3). 2 of the submissions do not count toward it. Last evaluated 2024-06-12.

Conditions:
Premature ovarian failure 11 (POF11). Identifiers: MedGen C4310783, MONDO:0014843, OMIM 616946.
UV-sensitive syndrome 1 (UVSS1). Identifiers: Orphanet 178338, MedGen C3551173, MONDO:0010909, OMIM 600630.
Cerebrooculofacioskeletal syndrome 1 (COFS1). Also called: Cerebro-oculo-facio-skeletal syndrome 1. Identifiers: MedGen C0220722, MONDO:0008955, OMIM 214150.
Age related macular degeneration 5. Identifiers: MedGen C3151063, MONDO:0013409, OMIM 613761.
DE SANCTIS-CACCHIONE SYNDROME. Identifiers: MedGen C0265201, MONDO:0010217, OMIM 278800.
Lung cancer. Also called: Malignant tumor of lung; Lung cancer, somatic. Identifiers: MedGen C0242379, MONDO:0008903, OMIM 211980.
Cockayne syndrome type 2 (CSB). Also called: Cockayne Syndrome, Type II; COCKAYNE SYNDROME B. Identifiers: Orphanet 191, Orphanet 90322, MedGen C0751038, MONDO:0019570, OMIM 133540.

Submissions (5):

Fulgent Genetics
Classification: Pathogenic for Cockayne syndrome type 2; Lung cancer; Cerebrooculofacioskeletal syndrome 1; DE SANCTIS-CACCHIONE SYNDROME; UV-sensitive syndrome 1; Age related macular degeneration 5; Premature ovarian failure 11. Last evaluated: 2024-06-12. Review status: criteria provided, single submitter. Criteria: ACMG Guidelines, 2015. Collection method: clinical testing. Allele origin: germline.

Labcorp Genetics (formerly Invitae), Labcorp
Classification: Pathogenic. Last evaluated: 2022-12-11. Review status: criteria provided, single submitter. Criteria: Invitae Variant Classification Sherloc (09022015). Collection method: clinical testing. Allele origin: germline.
Comment: This sequence change creates a premature translational stop signal (p.Glu215*) in the ERCC6 gene. It is expected to result in an absent or disrupted protein product. Loss-of-function variants in ERCC6 are known to be pathogenic (PMID: 18628313, 29572252). This variant is not present in population databases (gnomAD no frequency). This premature translational stop signal has been observed in individual(s) with Cockayne syndrome (PMID: 27186691). ClinVar contains an entry for this variant (Variation ID: 225905). For these reasons, this variant has been classified as Pathogenic.

Juno Genomics, Hangzhou Juno Genomics, Inc
Classification: Pathogenic for Cockayne syndrome type 2. Review status: criteria provided, single submitter. Criteria: ACMG Guidelines, 2015. Collection method: clinical testing. Allele origin: germline.
Comment: Absent from controls (or at extremely low frequency if recessive) in Genome Aggregation Database.;Null variant in a gene where loss of function (LOF) is a known mechanism of disease.;For recessive disorders, detected in trans with a pathogenic variant.

OMIM
Classification: Pathogenic for PREMATURE OVARIAN FAILURE 11. Last evaluated: 2020-05-27. Review status: no assertion criteria provided. Collection method: literature only. Allele origin: germline. Not counted in ClinVar's aggregate classification.

Counsyl
Classification: Likely pathogenic for Cockayne syndrome type 2; Cerebrooculofacioskeletal syndrome 1; DE SANCTIS-CACCHIONE SYNDROME. Last evaluated: 2018-05-31. Review status: no assertion criteria provided. Collection method: clinical testing. Allele origin: unknown. Not counted in ClinVar's aggregate classification.

Literature cited by the submitters: PubMed 18628313 (cited by Labcorp Genetics (formerly Invitae), Labcorp); PubMed 29572252 (cited by Labcorp Genetics (formerly Invitae), Labcorp); PubMed 27186691 (cited by Labcorp Genetics (formerly Invitae), Labcorp and Counsyl); PubMed 26218421 (cited by OMIM and Counsyl).

NM_000124.4(ERCC6):c.643G>T (p.Glu215Ter)

Gene: ERCC6 (ERCC excision repair 6, chromatin remodeling factor; minus strand). Cytogenetic location: 10q11.23.
Variant type: single nucleotide variant.
Coding change: c.643G>T on transcript NM_000124.4 (MANE Select); coding-DNA position 643, G replaced by T.
Protein change: p.Glu215Ter; replaces glutamic acid 215 with a stop codon.
Molecular consequence: nonsense.
Genome position (GRCh38, 1-based): chr10:49,528,426, C>A on the plus strand (G>T on the coding strand, the complement: ERCC6 is on the minus strand). VCF-style: chr10-49528426-C-A. GRCh37 (hg19) VCF-style: chr10-50736472-C-A.
Other names: c.643G>T, p.Glu215Ter (NM_001277058.2, NM_001277059.2, NM_001346440.2); short protein forms E215*.
Identifiers: ClinVar variation 225905 (VCV000225905.14), dbSNP rs875989810, ClinGen allele CA10576142.